The following is an entry in ClinVar:

ClinVar aggregate classification (germline): Uncertain significance. Review status: criteria provided, multiple submitters, no conflicts (2 of 4 stars). 2 submissions from 2 submitters: Uncertain significance (2). Last evaluated 2025-11-21.

Allele frequency attached by ClinVar (database versions not stated): TOPMed 0.00008; ExAC 0.00009; gnomAD exomes 0.00013 and 0.00010; gnomAD 0.00009.
gnomAD v4.1: 204 of 1,613,556 alleles (0.013%); highest among the groups gnomAD compares: South Asian, 0.024%; no homozygotes.

Submissions (2):

Labcorp Genetics (formerly Invitae), Labcorp
Classification: Uncertain significance. Last evaluated: 2025-11-21. Review status: criteria provided, single submitter. Criteria: Invitae Variant Classification Sherloc (09022015). Collection method: clinical testing. Allele origin: germline.
Comment: This sequence change replaces valine, which is neutral and non-polar, with methionine, which is neutral and non-polar, at codon 277 of the DIAPH3 protein (p.Val277Met). This variant is present in population databases (rs200982440, gnomAD 0.02%). This variant has not been reported in the literature in individuals affected with DIAPH3-related conditions. ClinVar contains an entry for this variant (Variation ID: 1196160). An algorithm developed to predict the effect of missense changes on protein structure and function outputs the following: PolyPhen-2: "Benign". The methionine amino acid residue is found in multiple mammalian species, which suggests that this missense change does not adversely affect protein function. In summary, the available evidence is currently insufficient to determine the role of this variant in disease. Therefore, it has been classified as a Variant of Uncertain Significance.

GeneDx
Classification: Uncertain significance. Last evaluated: 2021-01-11. Review status: criteria provided, single submitter. Criteria: GeneDx Variant Classification Process June 2021. Collection method: clinical testing. Allele origin: germline. Affected: yes.
Comment: In silico analysis supports that this missense variant does not alter protein structure/function; Has not been previously published as pathogenic or benign to our knowledge

NM_001042517.2(DIAPH3):c.829G>A (p.Val277Met)

Gene: DIAPH3 (diaphanous related formin 3; minus strand). Cytogenetic location: 13q21.2.
Variant type: single nucleotide variant.
Coding change: c.829G>A on transcript NM_001042517.2 (MANE Select); coding-DNA position 829, G replaced by A.
Protein change: p.Val277Met; replaces valine 277 with methionine.
Molecular consequence: missense variant.
Genome position (GRCh38, 1-based): chr13:60,010,612, C>T on the plus strand (G>A on the coding strand, the complement: DIAPH3 is on the minus strand). VCF-style: chr13-60010612-C-T. GRCh37 (hg19) VCF-style: chr13-60584746-C-T.
Other names: c.796G>A, p.Val266Met (NM_001258366.2); c.691G>A, p.Val231Met (NM_001258367.2); c.619G>A, p.Val207Met (NM_001258368.2); c.829G>A, p.Val277Met (NM_001258369.2); c.40G>A, p.Val14Met (NM_001258370.2, NM_030932.4); short protein forms V14M, V207M, V231M, V266M, V277M.
Identifiers: ClinVar variation 1196160 (VCV001196160.4), dbSNP rs200982440, ClinGen allele CA6996881.
Genomic context (GRCh38, chr13:60,010,612, plus strand): 5'-TGCATACCGCAGAGAGAAGTTTAACCACATCTGTCATCATATTGGGGTGTCTGGGATCCA[C>T]GGCTTTGGCCAATAAGGAAAGGCTCCTCTCCTCACTCATAATTCTTTCCAAGCCATACTA-3'
Protein context (NP_001035982.1, residues 267-287): ERSLSLLAKA[Val277Met]DPRHPNMMTD